The following is an entry in ClinVar:

NM_006445.4(PRPF8):c.3742C>T (p.Leu1248Phe)

Gene: PRPF8 (pre-mRNA processing factor 8; minus strand). Cytogenetic location: 17p13.3.
Variant type: single nucleotide variant.
Coding change: c.3742C>T on transcript NM_006445.4 (MANE Select); coding-DNA position 3742, C replaced by T.
Protein change: p.Leu1248Phe; replaces leucine 1248 with phenylalanine.
Molecular consequence: missense variant.
Genome position (GRCh38, 1-based): chr17:1,673,113, G>A on the plus strand (C>T on the coding strand, the complement: PRPF8 is on the minus strand). VCF-style: chr17-1673113-G-A. GRCh37 (hg19) VCF-style: chr17-1576407-G-A.
Other names: short protein forms L1248F.
Identifiers: ClinVar variation 4995919 (VCV004995919.1).

ClinVar aggregate classification (germline): Uncertain significance (1 of 4 stars; one submission).

Conditions:
PRPF8-related disorder. Also called: PRPF8-related condition.

Submission:

PreventionGenetics, part of Exact Sciences
Classification: Uncertain significance for PRPF8-related condition. Last evaluated: 2025-12-16. Review status: criteria provided, single submitter. Criteria: ACMG Guidelines, 2015. Collection method: clinical testing. Allele origin: germline.
Comment: The PRPF8 c.3742C>T variant is predicted to result in the amino acid substitution p.Leu1248Phe. To our knowledge, this variant has not been reported in the literature or in a large population database (gnomAD), indicating this variant is rare. At this time, the clinical significance of this variant is uncertain due to the absence of conclusive functional and genetic evidence.